The following is an entry in ClinVar:

NM_000182.5(HADHA):c.80G>A (p.Arg27His)

Gene: HADHA (hydroxyacyl-CoA dehydrogenase trifunctional multienzyme complex subunit alpha; minus strand). Cytogenetic location: 2p23.3.
Variant type: single nucleotide variant.
Coding change: c.80G>A on transcript NM_000182.5 (MANE Select); coding-DNA position 80, G replaced by A.
Protein change: p.Arg27His; replaces arginine 27 with histidine.
Molecular consequence: missense variant.
Genome position (GRCh38, 1-based): chr2:26,239,131, C>T on the plus strand (G>A on the coding strand, the complement: HADHA is on the minus strand). VCF-style: chr2-26239131-C-T. GRCh37 (hg19) VCF-style: chr2-26461999-C-T.
Other names: short protein forms R27H.
Identifiers: ClinVar variation 1415780 (VCV001415780.5), dbSNP rs200145855, ClinGen allele CA1559985.

ClinVar aggregate classification (germline): Uncertain significance (1 of 4 stars; one submission).

Conditions:
Long chain 3-hydroxyacyl-CoA dehydrogenase deficiency. Also called: LCHAD Deficiency; Deficiency of long-chain 3-hydroxyacyl-coenzyme A dehydrogenase. Identifiers: Orphanet 5, MedGen C3711645, MONDO:0012173, OMIM 609016.
Mitochondrial trifunctional protein deficiency. Identifiers: Orphanet 746, MedGen C1969443, MONDO:0012172.

Allele frequency attached by ClinVar (database versions not stated): ESP Exome Variant Server 0.00008.

Submission:

Labcorp Genetics (formerly Invitae), Labcorp
Classification: Uncertain significance for Mitochondrial trifunctional protein deficiency; Long chain 3-hydroxyacyl-CoA dehydrogenase deficiency. Last evaluated: 2022-08-12. Review status: criteria provided, single submitter. Criteria: Invitae Variant Classification Sherloc (09022015). Collection method: clinical testing. Allele origin: germline.
Comment: This sequence change replaces arginine, which is basic and polar, with histidine, which is basic and polar, at codon 27 of the HADHA protein (p.Arg27His). This variant is present in population databases (rs200145855, gnomAD 0.01%). This variant has not been reported in the literature in individuals affected with HADHA-related conditions. ClinVar contains an entry for this variant (Variation ID: 1415780). Advanced modeling of protein sequence and biophysical properties (such as structural, functional, and spatial information, amino acid conservation, physicochemical variation, residue mobility, and thermodynamic stability) performed at Invitae indicates that this missense variant is not expected to disrupt HADHA protein function. In summary, the available evidence is currently insufficient to determine the role of this variant in disease. Therefore, it has been classified as a Variant of Uncertain Significance.